The following is an entry in ClinVar:

NM_000095.3(COMP):c.1280G>C (p.Gly427Ala)

Gene: COMP (cartilage oligomeric matrix protein; minus strand). Cytogenetic location: 19p13.11.
Variant type: single nucleotide variant.
Coding change: c.1280G>C on transcript NM_000095.3 (MANE Select); coding-DNA position 1280, G replaced by C.
Protein change: p.Gly427Ala; replaces glycine 427 with alanine.
Molecular consequence: missense variant.
Genome position (GRCh38, 1-based): chr19:18,786,266, C>G on the plus strand (G>C on the coding strand, the complement: COMP is on the minus strand). VCF-style: chr19-18786266-C-G. GRCh37 (hg19) VCF-style: chr19-18897076-C-G.
Other names: short protein forms G427A.
Identifiers: ClinVar variation 2578090 (VCV002578090.3), dbSNP rs2145901034, ClinGen allele CA404885854.

ClinVar aggregate classification (germline): Pathogenic/Likely pathogenic. Review status: criteria provided, multiple submitters, no conflicts (2 of 4 stars). 2 submissions from 2 submitters: Pathogenic (1); Likely pathogenic (1). Last evaluated 2024-03-03.

Submissions (2):

Labcorp Genetics (formerly Invitae), Labcorp
Classification: Pathogenic. Last evaluated: 2024-03-03. Review status: criteria provided, single submitter. Criteria: Invitae Variant Classification Sherloc (09022015). Collection method: clinical testing. Allele origin: germline.
Comment: This sequence change replaces glycine, which is neutral and non-polar, with alanine, which is neutral and non-polar, at codon 427 of the COMP protein (p.Gly427Ala). This variant is not present in population databases (gnomAD no frequency). This missense change has been observed in individuals with multiple epiphyseal dysplasia (PMID: 24595329; Invitae; Ko MJ. 2009. Journal of Genetic Medicine. 6:81-86). It has also been observed to segregate with disease in related individuals. ClinVar contains an entry for this variant (Variation ID: 2578090). Advanced modeling of protein sequence and biophysical properties (such as structural, functional, and spatial information, amino acid conservation, physicochemical variation, residue mobility, and thermodynamic stability) performed at Invitae indicates that this missense variant is expected to disrupt COMP protein function with a positive predictive value of 80%. This variant disrupts the p.Gly427 amino acid residue in COMP. Other variant(s) that disrupt this residue have been determined to be pathogenic (PMID: 9756911, 9880218, 21922596; Invitae). This suggests that this residue is clinically significant, and that variants that disrupt this residue are likely to be disease-causing. For these reasons, this variant has been classified as Pathogenic.

GeneDx
Classification: Likely pathogenic. Last evaluated: 2023-03-03. Review status: criteria provided, single submitter. Criteria: GeneDx Variant Classification Process June 2021. Collection method: clinical testing. Allele origin: germline. Affected: yes.
Comment: Not observed at significant frequency in large population cohorts (gnomAD); In silico analysis supports that this missense variant has a deleterious effect on protein structure/function; Identified in a patient with multiple epiphyseal dysplasia in the published literature (Briggs et al., 2014); This variant is associated with the following publications: (PMID: 24595329, KO_2009)

Literature cited by the submitters: PubMed 24595329 (cited by Labcorp Genetics (formerly Invitae), Labcorp); PubMed 2009 (cited by Labcorp Genetics (formerly Invitae), Labcorp); PubMed 6 (cited by Labcorp Genetics (formerly Invitae), Labcorp); PubMed 81 (cited by Labcorp Genetics (formerly Invitae), Labcorp); PubMed 86 (cited by Labcorp Genetics (formerly Invitae), Labcorp); PubMed 9756911 (cited by Labcorp Genetics (formerly Invitae), Labcorp); PubMed 9880218 (cited by Labcorp Genetics (formerly Invitae), Labcorp); PubMed 21922596 (cited by Labcorp Genetics (formerly Invitae), Labcorp).